The following is an entry in ClinVar:

ClinVar aggregate classification (germline): Benign/Likely benign. Review status: criteria provided, multiple submitters, no conflicts (2 of 4 stars). 16 submissions from 16 submitters: Benign (6); Likely benign (6). 4 of the submissions do not count toward it. Last evaluated 2026-08-01.

Conditions:
HSPB1-related disorder. Also called: HSPB1-related condition; HSPB1-related disorders.
Inborn genetic diseases. Identifiers: MedGen C0950123, MeSH D030342.
Charcot-Marie-Tooth disease. Also called: Charcot-Marie-Tooth Hereditary Neuropathy; Charcot-Marie-Tooth Neuropathy. Identifiers: Orphanet 166, MedGen C0007959, MONDO:0015626.
Charcot-Marie-Tooth disease axonal type 2F (CMT2F). Also called: CHARCOT-MARIE-TOOTH DISEASE, NEURONAL, TYPE 2F; Charcot-Marie-Tooth Neuropathy Type 2F. Identifiers: Orphanet 99940, MedGen C1847823, MONDO:0011687, OMIM 606595.
Neuronopathy, distal hereditary motor, type 2B. Also called: NEURONOPATHY, DISTAL HEREDITARY MOTOR, AUTOSOMAL DOMINANT 3; NEURONOPATHY, DISTAL HEREDITARY MOTOR, HARDING TYPE IIB; NEUROPATHY, DISTAL HEREDITARY MOTOR, HARDING TYPE IIB; HMN IIB. Identifiers: Orphanet 139525, MedGen C2608087, MONDO:0012080, OMIM 608634.

Allele frequency attached by ClinVar (database versions not stated): 1000 Genomes Project 30x 0.00078; 1000 Genomes Project 0.00080; TOPMed 0.00302; gnomAD 0.00311 and 0.00336; ESP Exome Variant Server 0.00317; ExAC 0.00430.

Submissions (16):

CeGaT Center for Human Genetics Tuebingen
Classification: Benign. Last evaluated: 2026-08-01. Review status: criteria provided, single submitter. Criteria: CeGaT Center For Human Genetics Tuebingen Variant Classification Criteria Version 2. Collection method: clinical testing. Allele origin: germline. Affected: yes. Observed: 25 variant alleles.
Comment: HSPB1: BP4, BS1, BS2

Labcorp Genetics (formerly Invitae), Labcorp
Classification: Benign for Charcot-Marie-Tooth disease axonal type 2F. Last evaluated: 2026-02-01. Review status: criteria provided, single submitter. Criteria: Invitae Variant Classification Sherloc (09022015). Collection method: clinical testing. Allele origin: germline.

ARUP Laboratories, Molecular Genetics and Genomics, ARUP Laboratories
Classification: Benign. Last evaluated: 2025-06-05. Review status: criteria provided, single submitter. Criteria: ARUP Molecular Germline Variant Investigation Process 2024. Collection method: clinical testing. Allele origin: germline.

Blueprint Genetics
Classification: Likely benign. Last evaluated: 2024-11-14. Review status: criteria provided, single submitter. Criteria: ACMG Guidelines, 2015. Collection method: clinical testing. Allele origin: germline.

Mayo Clinic Laboratories, Mayo Clinic
Classification: Benign. Last evaluated: 2020-09-29. Review status: criteria provided, single submitter. Criteria: ACMG Guidelines, 2015. Collection method: clinical testing. Allele origin: germline. Observed: 15 variant alleles.

Ambry Genetics
Classification: Likely benign for Inborn genetic diseases. Last evaluated: 2019-07-11. Review status: criteria provided, single submitter. Criteria: Ambry Variant Classification Scheme 2023. Collection method: clinical testing. Allele origin: germline.

Athena Diagnostics
Classification: Benign. Last evaluated: 2017-12-12. Review status: criteria provided, single submitter. Criteria: Athena Diagnostics Criteria. Collection method: clinical testing. Allele origin: germline.

Illumina Laboratory Services, Illumina
Classification: Likely benign for Neuronopathy, distal hereditary motor, type 2B. Last evaluated: 2017-04-27. Review status: criteria provided, single submitter. Criteria: ICSL Variant Classification Criteria 13 December 2019. Collection method: clinical testing. Allele origin: germline.
Comment: This variant was observed as part of a predisposition screen in an ostensibly healthy population. A literature search was performed for the gene, cDNA change, and amino acid change (where applicable). Publications were found based on this search. The evidence from the literature, in combination with allele frequency data from public databases where available, was sufficient to determine this variant is unlikely to cause disease. Therefore, this variant is classified as likely benign.

GeneDx
Classification: Benign. Last evaluated: 2015-03-03. Review status: criteria provided, single submitter. Criteria: GeneDx Variant Classification Process June 2021. Collection method: clinical testing. Allele origin: germline. Affected: yes.

Eurofins Ntd Llc (ga)
Classification: Likely benign. Last evaluated: 2015-02-27. Review status: criteria provided, single submitter. Criteria: EGL Classification Definitions 2015. Collection method: clinical testing. Allele origin: germline. Observed: 1 variant allele, 1 heterozygote.

Breakthrough Genomics
Classification: Likely benign. Review status: criteria provided, single submitter. Criteria: ACMG Guidelines, 2015. Collection method: not provided. Allele origin: germline. Inheritance: Autosomal dominant inheritance. Affected: yes.

Molecular Genetics Laboratory, London Health Sciences Centre
Classification: Likely benign for Charcot-Marie-Tooth disease. Review status: criteria provided, single submitter. Criteria: ACMG Guidelines, 2015. Collection method: clinical testing. Allele origin: germline. Affected: yes.

PreventionGenetics, part of Exact Sciences
Classification: Benign for HSPB1-related condition. Last evaluated: 2020-02-12. Review status: no assertion criteria provided. Collection method: clinical testing. Allele origin: germline. Not counted in ClinVar's aggregate classification.
Comment: This variant is classified as benign based on ACMG/AMP sequence variant interpretation guidelines (Richards et al. 2015 PMID: 25741868, with internal and published modifications).

Clinical Genetics DNA and cytogenetics Diagnostics Lab, Erasmus MC, Erasmus Medical Center
Classification: Likely benign. Review status: no assertion criteria provided. Collection method: clinical testing. Allele origin: germline. Affected: yes. Study: VKGL Data-share Consensus. Not counted in ClinVar's aggregate classification.

Clinical Genetics, Academic Medical Center
Classification: Benign. Review status: no assertion criteria provided. Collection method: clinical testing. Allele origin: germline. Affected: yes. Study: VKGL Data-share Consensus. Not counted in ClinVar's aggregate classification.

Genome Diagnostics Laboratory, University Medical Center Utrecht
Classification: Likely benign. Review status: no assertion criteria provided. Collection method: clinical testing. Allele origin: germline. Affected: yes. Study: VKGL Data-share Consensus. Not counted in ClinVar's aggregate classification.

Literature cited by the submitters: PubMed 17623484 (cited by Athena Diagnostics and Illumina Laboratory Services, Illumina); PubMed 22176143 (cited by Athena Diagnostics and Illumina Laboratory Services, Illumina).

NM_001540.5(HSPB1):c.9G>A (p.Glu3=)

Gene: HSPB1 (heat shock protein family B (small) member 1; plus strand). Cytogenetic location: 7q11.23.
Variant type: single nucleotide variant.
Coding change: c.9G>A on transcript NM_001540.5 (MANE Select); coding-DNA position 9, G replaced by A.
Protein change: p.Glu3=; no amino-acid change (glutamic acid 3 retained).
Molecular consequence: synonymous variant.
Genome position (GRCh38, 1-based): chr7:76,302,721, G>A. VCF-style: chr7-76302721-G-A. GRCh37 (hg19) VCF-style: chr7-75932038-G-A.
Other names: p.Glu3=; c.9G>A (LRG_248t1).
Identifiers: ClinVar variation 193215 (VCV000193215.66), dbSNP rs77586767, ClinGen allele CA200407.